The following is an entry in ClinVar:

ClinVar aggregate classification (germline): Pathogenic. Review status: criteria provided, multiple submitters, no conflicts (2 of 4 stars). 2 submissions from 2 submitters: Pathogenic (2). Last evaluated 2023-02-16.

Conditions:
Severe intellectual disability-poor language-strabismus-grimacing face-long fingers syndrome (GAND). Also called: GAND SYNDROME. Identifiers: Orphanet 363686, MedGen C3554448, MONDO:0014034, OMIM 615074.

Submissions (2):

Labcorp Genetics (formerly Invitae), Labcorp
Classification: Pathogenic. Last evaluated: 2023-02-16. Review status: criteria provided, single submitter. Criteria: Invitae Variant Classification Sherloc (09022015). Collection method: clinical testing. Allele origin: germline.
Comment: This sequence change creates a premature translational stop signal (p.Gln192*) in the GATAD2B gene. It is expected to result in an absent or disrupted protein product. Loss-of-function variants in GATAD2B are known to be pathogenic (PMID: 23033978, 25356899, 27159321). This variant is not present in population databases (gnomAD no frequency). This variant has not been reported in the literature in individuals affected with GATAD2B-related conditions. ClinVar contains an entry for this variant (Variation ID: 801547). For these reasons, this variant has been classified as Pathogenic.

Mendelics
Classification: Pathogenic for Severe intellectual disability-poor language-strabismus-grimacing face-long fingers syndrome. Last evaluated: 2019-05-28. Review status: criteria provided, single submitter. Criteria: Mendelics Assertion Criteria 2017. Collection method: clinical testing. Allele origin: unknown.

Literature cited by the submitters: PubMed 23033978 (cited by Labcorp Genetics (formerly Invitae), Labcorp); PubMed 25356899 (cited by Labcorp Genetics (formerly Invitae), Labcorp); PubMed 27159321 (cited by Labcorp Genetics (formerly Invitae), Labcorp).

NM_020699.4(GATAD2B):c.574C>T (p.Gln192Ter)

Gene: GATAD2B (GATA zinc finger domain containing 2B; minus strand). Cytogenetic location: 1q21.3.
Variant type: single nucleotide variant.
Coding change: c.574C>T on transcript NM_020699.4 (MANE Select); coding-DNA position 574, C replaced by T.
Protein change: p.Gln192Ter; replaces glutamine 192 with a stop codon.
Molecular consequence: nonsense.
Genome position (GRCh38, 1-based): chr1:153,818,814, G>A on the plus strand (C>T on the coding strand, the complement: GATAD2B is on the minus strand). VCF-style: chr1-153818814-G-A. GRCh37 (hg19) VCF-style: chr1-153791290-G-A.
Other names: short protein forms Q192*.
Identifiers: ClinVar variation 801547 (VCV000801547.4), dbSNP rs1570929904, ClinGen allele CA342532624.